The following is an entry in ClinVar:

ClinVar aggregate classification (germline): Benign. Review status: criteria provided, multiple submitters, no conflicts (2 of 4 stars). 3 submissions from 3 submitters: Benign (2). 1 of the submissions does not count toward it. Last evaluated 2018-08-06.

Conditions:
SHROOM3-related disorder. Also called: SHROOM3-related condition.

Allele frequency attached by ClinVar (database versions not stated): TOPMed 0.00365; 1000 Genomes Project 0.00439; 1000 Genomes Project 30x 0.00531.
gnomAD v4.1: 895 of 1,610,992 alleles (0.056%); highest among the groups gnomAD compares: African/African-American, 1.1%; 3 homozygotes.

Submissions (3):

Labcorp Genetics (formerly Invitae), Labcorp
Classification: Benign. Last evaluated: 2018-08-06. Review status: criteria provided, single submitter. Criteria: Invitae Variant Classification Sherloc (09022015). Collection method: clinical testing. Allele origin: germline.

Breakthrough Genomics
Classification: Benign. Review status: criteria provided, single submitter. Criteria: ACMG Guidelines, 2015. Collection method: not provided. Allele origin: germline. Inheritance: Unknown mechanism. Affected: yes.

PreventionGenetics, part of Exact Sciences
Classification: Benign for SHROOM3-related condition. Last evaluated: 2019-04-18. Review status: no assertion criteria provided. Collection method: clinical testing. Allele origin: germline. Not counted in ClinVar's aggregate classification.
Comment: This variant is classified as benign based on ACMG/AMP sequence variant interpretation guidelines (Richards et al. 2015 PMID: 25741868, with internal and published modifications).

NM_020859.4(SHROOM3):c.3160G>A (p.Val1054Met)

Genes: SHROOM3 (shroom family member 3; plus strand), SHROOM3-AS1 (SHROOM3 antisense RNA 1; minus strand). Cytogenetic location: 4q21.1.
Variant type: single nucleotide variant.
Coding change: c.3160G>A on transcript NM_020859.4 (MANE Select); coding-DNA position 3160, G replaced by A.
Protein change: p.Val1054Met; replaces valine 1054 with methionine.
Molecular consequence: missense variant.
Genome position (GRCh38, 1-based): chr4:76,741,333, G>A. VCF-style: chr4-76741333-G-A. GRCh37 (hg19) VCF-style: chr4-77662486-G-A.
Other names: short protein forms V1054M.
Identifiers: ClinVar variation 735128 (VCV000735128.6), dbSNP rs71607374, ClinGen allele CA2972724.
Genomic context (GRCh38, chr4:76,741,333, plus strand): 5'-GAGGCCGAACCGGCACCCCTGGGCCCGCAGAGAAATGGGATGCGTTTCCCGGAGAGCAGC[G>A]TGGCCGACCGGCGCCGTCTCTTCGAGCGCGATGGCAAGGCCTGCTCCACGCTCAGCCTGT-3'
Protein context (NP_065910.3, residues 1044-1064): RNGMRFPESS[Val1054Met]ADRRRLFERD